The following is an entry in ClinVar:

NM_001698.3(AUH):c.927A>G (p.Glu309=)

Gene: AUH (AU RNA binding methylglutaconyl-CoA hydratase; minus strand). Cytogenetic location: 9q22.31.
Variant type: single nucleotide variant.
Coding change: c.927A>G on transcript NM_001698.3 (MANE Select); coding-DNA position 927, A replaced by G.
Protein change: p.Glu309=; no amino-acid change (glutamic acid 309 retained).
Molecular consequence: synonymous variant. On other transcripts: intron variant (1).
Genome position (GRCh38, 1-based): chr9:91,216,074, T>C on the plus strand (A>G on the coding strand, the complement: AUH is on the minus strand). VCF-style: chr9-91216074-T-C. GRCh37 (hg19) VCF-style: chr9-93978356-T-C.
Other names: p.E309E:GAA>GAG; c.840A>G, p.Glu280= (NM_001306190.2); c.600A>G, p.Glu200= (NM_001351431.2, NM_001351432.2); c.567+1203A>G (NM_001351433.2).
Identifiers: ClinVar variation 136473 (VCV000136473.24), dbSNP rs78739693, ClinGen allele CA289613.

ClinVar aggregate classification (germline): Benign/Likely benign. Review status: criteria provided, multiple submitters, no conflicts (2 of 4 stars). 7 submissions from 7 submitters: Benign (4); Likely benign (2). 1 of the submissions does not count toward it. Last evaluated 2026-01-18.

Conditions:
3-methylglutaconic aciduria type 1 (MGCA1). Identifiers: Orphanet 67046, MedGen C0342727, MONDO:0009610, OMIM 250950.

Allele frequency attached by ClinVar (database versions not stated): gnomAD exomes 0.00036 and 0.00098; ExAC 0.00131; 1000 Genomes Project 30x 0.00312; 1000 Genomes Project 0.00319; gnomAD 0.00373 and 0.00399; ESP Exome Variant Server 0.00377; TOPMed 0.00407.
gnomAD v4.1: 1,128 of 1,612,952 alleles (0.07%); highest among the groups gnomAD compares: African/African-American, 1.3%; 11 homozygotes.

Submissions (7):

Labcorp Genetics (formerly Invitae), Labcorp
Classification: Benign for 3-methylglutaconic aciduria type 1. Last evaluated: 2026-01-18. Review status: criteria provided, single submitter. Criteria: Invitae Variant Classification Sherloc (09022015). Collection method: clinical testing. Allele origin: germline.

Blueprint Genetics
Classification: Likely benign. Last evaluated: 2024-11-13. Review status: criteria provided, single submitter. Criteria: ACMG Guidelines, 2015. Collection method: clinical testing. Allele origin: germline.

Fulgent Genetics
Classification: Likely benign for 3-methylglutaconic aciduria type 1. Last evaluated: 2021-10-08. Review status: criteria provided, single submitter. Criteria: ACMG Guidelines, 2015. Collection method: clinical testing. Allele origin: unknown.

Illumina Laboratory Services, Illumina
Classification: Benign for 3-methylglutaconic aciduria type 1. Last evaluated: 2017-05-09. Review status: criteria provided, single submitter. Criteria: ICSL Variant Classification Criteria 13 December 2019. Collection method: clinical testing. Allele origin: germline.
Comment: This variant was observed as part of a predisposition screen in an ostensibly healthy population. A literature search was performed for the gene, cDNA change, and amino acid change (where applicable). No publications were found based on this search. Allele frequency data from public databases was too high to be consistent with this variant causing disease. Therefore, this variant is classified as benign.

GeneDx
Classification: Benign. Last evaluated: 2013-01-30. Review status: criteria provided, single submitter. Criteria: GeneDx Variant Classification (06012015). Collection method: clinical testing. Allele origin: germline. Affected: yes.
Comment: This variant is considered likely benign or benign based on one or more of the following criteria: it is a conservative change, it occurs at a poorly conserved position in the protein, it is predicted to be benign by multiple in silico algorithms, and/or has population frequency not consistent with disease.

Breakthrough Genomics
Classification: Benign. Review status: criteria provided, single submitter. Criteria: ACMG Guidelines, 2015. Collection method: not provided. Allele origin: germline. Inheritance: Autosomal recessive inheritance. Affected: yes.

Mayo Clinic Laboratories, Mayo Clinic
Classification: Likely benign. Last evaluated: 2016-03-15. Review status: no assertion criteria provided. Collection method: clinical testing. Allele origin: unknown. Not counted in ClinVar's aggregate classification.